The following is an entry in ClinVar:

NM_001009944.3(PKD1):c.11784G>A (p.Trp3928Ter)

Gene: PKD1 (polycystin 1, transient receptor potential channel interacting; minus strand). Cytogenetic location: 16p13.3.
Variant type: single nucleotide variant.
Coding change: c.11784G>A on transcript NM_001009944.3 (MANE Select); coding-DNA position 11784, G replaced by A.
Protein change: p.Trp3928Ter; replaces tryptophan 3928 with a stop codon.
Molecular consequence: nonsense.
Genome position (GRCh38, 1-based): chr16:2,091,103, C>T on the plus strand (G>A on the coding strand, the complement: PKD1 is on the minus strand). VCF-style: chr16-2091103-C-T. GRCh37 (hg19) VCF-style: chr16-2141104-C-T.
Other names: c.11781G>A, p.Trp3927Ter (NM_000296.4); short protein forms W3927*, W3928*.
Identifiers: ClinVar variation 997396 (VCV000997396.1), dbSNP rs759035704, ClinGen allele CA394329941.
Genomic context (GRCh38, chr16:2,091,103, plus strand): 5'-CGTGGCCGCCGTCAGCGCCACCAGCAGCCACCGCGCCCAGGCTCCGAGCCGCAGCACGCG[C>T]CAGCGCCCTTCCCTGTGCCAAGTACGGGCCTCGGCCACGGCGAAGTGCACGGCGAACAGC-3'

ClinVar aggregate classification (germline): Pathogenic (0 of 4 stars; one submission).

Conditions:
Polycystic kidney disease. Also called: Polycystic kidney dysplasia; Kidney, Polycystic. Identifiers: MedGen C0022680, MeSH D007690, MONDO:0020642, HP:0000113.

Submission:

Department of Pathology and Laboratory Medicine, Sinai Health System
Classification: Pathogenic for Polycystic Kidney disease. Review status: no assertion criteria provided. Collection method: clinical testing. Allele origin: unknown. Affected: yes. Study: The Canadian Open Genetics Repository (COGR).
Comment: The PKD1 p.Trp3928* variant was identified in 1 of 1400 proband chromosomes (frequency: 0.0007) from individuals or families with ADPKD (Audrezet 2012). The variant was also identified in the ADPKD Mutation Database (as definitely pathogenic). The variant was not identified in dbSNP, ClinVar, LOVD 3.0 or PKD1-LOVD databases. The variant was not identified in the following control databases: the Exome Aggregation Consortium (August 8th 2016) or the Genome Aggregation Database (Feb 27, 2017). The c.11784G>A variant leads to a premature stop codon at position 3928 which is predicted to lead to a truncated or absent protein and loss of function. Loss of function variants of the PKD1 gene are an established mechanism of disease in ADPKD. In summary, based on the above information this variant meets our laboratoryâ€šÃ„Ã´s criteria to be classified as pathogenic.